The following is an entry in ClinVar:

NM_004260.4(RECQL4):c.473A>G (p.Glu158Gly)

Gene: RECQL4 (RecQ like helicase 4; minus strand). Cytogenetic location: 8q24.3.
Variant type: single nucleotide variant.
Coding change: c.473A>G on transcript NM_004260.4 (MANE Select); coding-DNA position 473, A replaced by G.
Protein change: p.Glu158Gly; replaces glutamic acid 158 with glycine.
Molecular consequence: missense variant. On other transcripts: 5 prime UTR variant (15), non-coding transcript variant (3), intron variant (3).
Genome position (GRCh38, 1-based): chr8:144,516,646, T>C on the plus strand (A>G on the coding strand, the complement: RECQL4 is on the minus strand). VCF-style: chr8-144516646-T-C. GRCh37 (hg19) VCF-style: chr8-145742030-T-C.
Other names: c.473A>G, p.Glu158Gly (NM_001413017.1, NM_001413018.1, NM_001413019.1 and 4 more transcripts); c.-599A>G (NM_001413022.1, NM_001413023.1, NM_001413024.1 and 5 more transcripts); c.344A>G, p.Glu115Gly (NM_001413025.1); c.-661A>G (NM_001413027.1, NM_001413030.1, NM_001413031.1 and 2 more transcripts); c.-503A>G (NM_001413034.1); c.-868A>G (NM_001413043.1); c.355-233A>G (NM_001413029.1); c.-366-233A>G (NM_001413021.1); and 1 more; short protein forms E115G, E158G.
Identifiers: ClinVar variation 3944360 (VCV003944360.1).

ClinVar aggregate classification (germline): Uncertain significance (1 of 4 stars; one submission).

Conditions:
Inborn genetic diseases. Identifiers: MedGen C0950123, MeSH D030342.

Submission:

Ambry Genetics
Classification: Uncertain significance for Inborn genetic diseases. Last evaluated: 2025-06-12. Review status: criteria provided, single submitter. Criteria: Ambry Variant Classification Scheme 2023. Collection method: clinical testing. Allele origin: germline.
Comment: The p.E158G variant (also known as c.473A>G), located in coding exon 5 of the RECQL4 gene, results from an A to G substitution at nucleotide position 473. The glutamic acid at codon 158 is replaced by glycine, an amino acid with similar properties. This amino acid position is conserved. In addition, this alteration is predicted to be tolerated by in silico analysis. Based on the available evidence, the clinical significance of this variant remains unclear.